The following is an entry in ClinVar:

NM_001267550.2(TTN):c.75863_75870delinsTTTA (p.Gly25288fs)

Genes: TTN (titin; minus strand), TTN-AS1 (TTN antisense RNA 1; plus strand). Cytogenetic location: 2q31.2.
Variant type: Indel.
Coding change: c.75863_75870delinsTTTA on transcript NM_001267550.2 (MANE Select); coding-DNA positions 75863 to 75870, GTGAACCT replaced by TTTA.
Protein change: p.Gly25288fs; shifts the reading frame from glycine 25288.
Molecular consequence: frameshift variant.
Genome position (GRCh38, 1-based): chr2:178,570,262-178,570,269, AGGTTCAC replaced by TAAA on the plus strand (GTGAACCT replaced by TTTA on the coding strand, the reverse complement: TTN is on the minus strand). VCF-style: chr2-178570262-AGGTTCAC-TAAA. GRCh37 (hg19) VCF-style: chr2-179434989-AGGTTCAC-TAAA.
Other names: c.70940_70947delinsTTTA, p.Gly23647fs (NM_001256850.1); c.48668_48675delinsTTTA, p.Gly16223fs (NM_003319.4); c.68159_68166delinsTTTA, p.Gly22720fs (NM_133378.4); c.49043_49050delinsTTTA, p.Gly16348fs (NM_133432.3); c.49244_49251delinsTTTA, p.Gly16415fs (NM_133437.4); short protein forms G16223fs, G16348fs, G16415fs, G22720fs, G23647fs, G25288fs.
Identifiers: ClinVar variation 3383160 (VCV003383160.2).

ClinVar aggregate classification (germline): Likely pathogenic (1 of 4 stars; one submission).

Conditions:
Dilated cardiomyopathy 1G (CMD1G). Identifiers: Orphanet 154, MedGen C1858763, MONDO:0011400, OMIM 604145.

Submission:

Juno Genomics, Hangzhou Juno Genomics, Inc
Classification: Likely pathogenic for Dilated cardiomyopathy 1G. Review status: criteria provided, single submitter. Criteria: ACMG Guidelines, 2015. Collection method: clinical testing. Allele origin: germline. Affected: yes.
Comment: Null variant in a gene where loss of function (LOF) is a known mechanism of disease.;Absent from controls (or at extremely low frequency if recessive) in Genome Aggregation Database, Exome Sequencing Project, 1000 Genomes Project, or Exome Aggregation Consortium.